The following is an entry in ClinVar:

NM_003401.5(XRCC4):c.272A>G (p.Glu91Gly)

Gene: XRCC4 (X-ray repair cross complementing 4; plus strand). Cytogenetic location: 5q14.2.
Variant type: single nucleotide variant.
Coding change: c.272A>G on transcript NM_003401.5 (MANE Select); coding-DNA position 272, A replaced by G.
Protein change: p.Glu91Gly; replaces glutamic acid 91 with glycine.
Molecular consequence: missense variant.
Genome position (GRCh38, 1-based): chr5:83,111,160, A>G. VCF-style: chr5-83111160-A-G. GRCh37 (hg19) VCF-style: chr5-82406979-A-G.
Other names: c.272A>G, p.Glu91Gly (NM_001318012.3, NM_001318013.2, NM_022406.5 and 1 more transcripts); short protein forms E91G.
Identifiers: ClinVar variation 4741851 (VCV004741851.1).

ClinVar aggregate classification (germline): Uncertain significance (1 of 4 stars; one submission).

Submission:

Labcorp Genetics (formerly Invitae), Labcorp
Classification: Uncertain significance. Last evaluated: 2025-02-23. Review status: criteria provided, single submitter. Criteria: Invitae Variant Classification Sherloc (09022015). Collection method: clinical testing. Allele origin: germline.
Comment: This sequence change replaces glutamic acid, which is acidic and polar, with glycine, which is neutral and non-polar, at codon 91 of the XRCC4 protein (p.Glu91Gly). This variant is not present in population databases (gnomAD no frequency). This variant has not been reported in the literature in individuals affected with XRCC4-related conditions. Invitae Evidence Modeling of protein sequence and biophysical properties (such as structural, functional, and spatial information, amino acid conservation, physicochemical variation, residue mobility, and thermodynamic stability) indicates that this missense variant is not expected to disrupt XRCC4 protein function with a negative predictive value of 80%. In summary, the available evidence is currently insufficient to determine the role of this variant in disease. Therefore, it has been classified as a Variant of Uncertain Significance.